The following is an entry in ClinVar:

NM_001365999.1(SZT2):c.6431G>A (p.Arg2144His)

Gene: SZT2 (SZT2 subunit of KICSTOR complex; plus strand). Cytogenetic location: 1p34.2.
Variant type: single nucleotide variant.
Coding change: c.6431G>A on transcript NM_001365999.1 (MANE Select); coding-DNA position 6431, G replaced by A.
Protein change: p.Arg2144His; replaces arginine 2144 with histidine.
Molecular consequence: missense variant.
Genome position (GRCh38, 1-based): chr1:43,437,825, G>A. VCF-style: chr1-43437825-G-A. GRCh37 (hg19) VCF-style: chr1-43903496-G-A.
Other names: c.6260G>A, p.Arg2087His (NM_015284.4); short protein forms R2144H, R2087H.
Identifiers: ClinVar variation 648483 (VCV000648483.8), dbSNP rs148576640, ClinGen allele CA809895.

ClinVar aggregate classification (germline): Uncertain significance (1 of 4 stars; one submission).

Allele frequency attached by ClinVar (database versions not stated): gnomAD exomes 0.00001 and 0.00003; ExAC 0.00003; TOPMed 0.00003; ESP Exome Variant Server 0.00015.
gnomAD v4.1: 24 of 1,613,996 alleles (0.0015%); highest among the groups gnomAD compares: East Asian, 0.0089%; no homozygotes.

Submission:

Labcorp Genetics (formerly Invitae), Labcorp
Classification: Uncertain significance. Last evaluated: 2022-08-22. Review status: criteria provided, single submitter. Criteria: Invitae Variant Classification Sherloc (09022015). Collection method: clinical testing. Allele origin: germline.
Comment: This sequence change replaces arginine, which is basic and polar, with histidine, which is basic and polar, at codon 2087 of the SZT2 protein (p.Arg2087His). This variant is present in population databases (rs148576640, gnomAD 0.02%). This variant has not been reported in the literature in individuals affected with SZT2-related conditions. ClinVar contains an entry for this variant (Variation ID: 648483). Algorithms developed to predict the effect of missense changes on protein structure and function (SIFT, PolyPhen-2, Align-GVGD) all suggest that this variant is likely to be disruptive. In summary, the available evidence is currently insufficient to determine the role of this variant in disease. Therefore, it has been classified as a Variant of Uncertain Significance.